The following is an entry in ClinVar:

NM_001130987.2(DYSF):c.4680_4681del (p.Phe1560fs)

Gene: DYSF (dysferlin; plus strand). Cytogenetic location: 2p13.2.
Variant type: Deletion.
Coding change: c.4680_4681del on transcript NM_001130987.2 (MANE Select); coding-DNA positions 4680 to 4681, 2 bases deleted (TT; older notation c.4680_4681delTT).
Protein change: p.Phe1560fs; shifts the reading frame from phenylalanine 1560.
Molecular consequence: frameshift variant.
Genome position (GRCh38, 1-based): chr2:71,656,215-71,656,216, TT deleted; deleting any 2 consecutive bases within chr2:71,656,213-71,656,216 gives the same sequence; the c. name uses the placement nearest the transcript's 3' end. VCF-style (leftmost placement, unchanged base first): chr2-71656212-CTT-C. GRCh37 (hg19) VCF-style: chr2-71883342-CTT-C.
Other names: c.4566_4567del, p.Phe1522fs (NM_001130455.2); c.4521_4522del, p.Phe1507fs (NM_001130976.2); c.4584_4585del, p.Phe1528fs (NM_001130977.2); c.4626_4627del, p.Phe1542fs (NM_001130978.2); c.4656_4657del, p.Phe1552fs (NM_001130979.2); c.4614_4615del, p.Phe1538fs (NM_001130980.2); c.4677_4678del, p.Phe1559fs (NM_001130981.2); c.4659_4660del, p.Phe1553fs (NM_001130982.2); and 5 more; short protein forms F1508fs, F1528fs, F1529fs, F1538fs, F1539fs, F1552fs, F1553fs, F1507fs.
Identifiers: ClinVar variation 2832112 (VCV002832112.3), dbSNP rs2546474974, ClinGen allele CA2739271044.
Genomic context (GRCh38, chr2:71,656,212, plus strand): 5'-TGTGTGGCAGGTCTATGACACACAGCTGGAGAATGTGGAGGCCTTTGAGGGCCTGTCTGA[CTT>C]TTGTAACACCTTCAAGCTGTACCGGGGCAAGACGCAGGAGGAGACAGAAGATCCATCTGT-3'

ClinVar aggregate classification (germline): Pathogenic (1 of 4 stars; one submission).

Conditions:
Neuromuscular disease caused by qualitative or quantitative defects of dysferlin. Also called: Qualitative or quantitative defects of dysferlin; Dysferlinopathy. Identifiers: Orphanet 207073, MedGen C2931687, MONDO:0016145.

Submission:

Labcorp Genetics (formerly Invitae), Labcorp
Classification: Pathogenic for Neuromuscular disease caused by qualitative or quantitative defects of dysferlin. Last evaluated: 2023-01-26. Review status: criteria provided, single submitter. Criteria: Invitae Variant Classification Sherloc (09022015). Collection method: clinical testing. Allele origin: germline.
Comment: For these reasons, this variant has been classified as Pathogenic. This sequence change creates a premature translational stop signal (p.Phe1521Leufs*2) in the DYSF gene. It is expected to result in an absent or disrupted protein product. Loss-of-function variants in DYSF are known to be pathogenic (PMID: 17698709, 20301480). This variant is not present in population databases (gnomAD no frequency). This variant has not been reported in the literature in individuals affected with DYSF-related conditions.

Literature cited by the submitters: PubMed 17698709; PubMed 20301480.